The following is an entry in ClinVar:

NM_031407.7(HUWE1):c.5921A>T (p.Gln1974Leu)

Gene: HUWE1 (HECT, UBA and WWE domain containing E3 ubiquitin protein ligase 1; minus strand). Cytogenetic location: Xp11.22.
Variant type: single nucleotide variant.
Coding change: c.5921A>T on transcript NM_031407.7 (MANE Select); coding-DNA position 5921, A replaced by T.
Protein change: p.Gln1974Leu; replaces glutamine 1974 with leucine.
Molecular consequence: missense variant.
Genome position (GRCh38, 1-based): chrX:53,575,752, T>A on the plus strand (A>T on the coding strand, the complement: HUWE1 is on the minus strand). VCF-style: chrX-53575752-T-A. GRCh37 (hg19) VCF-style: chrX-53602712-T-A.
Other names: short protein forms Q1974L.
Identifiers: ClinVar variation 2444672 (VCV002444672.1), dbSNP rs781977690, ClinGen allele CA10422195.

ClinVar aggregate classification (germline): Uncertain significance (1 of 4 stars; one submission).

gnomAD v4.1: 1 of 1,211,898 alleles (0.000083%); highest among the groups gnomAD compares: Non-Finnish European, 0.00011%; no homozygotes.

Submission:

GeneDx
Classification: Uncertain significance. Last evaluated: 2022-09-02. Review status: criteria provided, single submitter. Criteria: GeneDx Variant Classification Process June 2021. Collection method: clinical testing. Allele origin: germline. Affected: yes.
Comment: In silico analysis supports that this missense variant does not alter protein structure/function; Has not been previously published as pathogenic or benign to our knowledge